The following is an entry in ClinVar:

ClinVar aggregate classification (germline): Likely benign (0 of 4 stars; one submission).

Conditions:
CIC-related disorder. Also called: CIC-related condition.

Submission:

PreventionGenetics, part of Exact Sciences
Classification: Likely benign for CIC-related condition. Last evaluated: 2019-09-19. Review status: no assertion criteria provided. Collection method: clinical testing. Allele origin: germline.
Comment: This variant is classified as likely benign based on ACMG/AMP sequence variant interpretation guidelines (Richards et al. 2015 PMID: 25741868, with internal and published modifications).

NM_001386298.1(CIC):c.7515C>G (p.Pro2505=)

Gene: CIC (capicua transcriptional repressor; plus strand). Cytogenetic location: 19q13.2.
Variant type: single nucleotide variant.
Coding change: c.7515C>G on transcript NM_001386298.1 (MANE Select); coding-DNA position 7515, C replaced by G.
Protein change: p.Pro2505=; no amino-acid change (proline 2505 retained).
Molecular consequence: synonymous variant.
Genome position (GRCh38, 1-based): chr19:42,295,152, C>G. VCF-style: chr19-42295152-C-G. GRCh37 (hg19) VCF-style: chr19-42799304-C-G.
Other names: c.7515C>G, p.Pro2505= (NM_001304815.2); c.7512C>G, p.Pro2504= (NM_001379480.1, NM_001379482.1, NM_001379483.1); c.4782C>G, p.Pro1594= (NM_001379484.1); c.4779C>G, p.Pro1593= (NM_001379485.1); c.4788C>G, p.Pro1596= (NM_015125.5).
Identifiers: ClinVar variation 3041030 (VCV003041030.2), dbSNP rs552110895, ClinGen allele CA9473018.